The following is an entry in ClinVar:

NM_025216.3(WNT10A):c.919G>C (p.Gly307Arg)

Gene: WNT10A (Wnt family member 10A; plus strand). Cytogenetic location: 2q35.
Variant type: single nucleotide variant.
Coding change: c.919G>C on transcript NM_025216.3 (MANE Select); coding-DNA position 919, G replaced by C.
Protein change: p.Gly307Arg; replaces glycine 307 with arginine.
Molecular consequence: missense variant.
Genome position (GRCh38, 1-based): chr2:218,892,936, G>C. VCF-style: chr2-218892936-G-C. GRCh37 (hg19) VCF-style: chr2-219757658-G-C.
Other names: short protein forms G307R.
Identifiers: ClinVar variation 2926252 (VCV002926252.3), dbSNP rs775046543, ClinGen allele CA2114071.

ClinVar aggregate classification (germline): Uncertain significance (1 of 4 stars; one submission).

Conditions:
Odonto-onycho-dermal dysplasia. Identifiers: Orphanet 2721, MedGen C0796093, MONDO:0009773, OMIM 257980.
Tooth agenesis, selective, 4 (STHAG4). Also called: LATERAL INCISORS, ABSENCE OF; LATERAL INCISORS, PEGGED OR MISSING; SUCCEDANEOUS TEETH, AGENESIS OF; TOOTH AGENESIS, SELECTIVE, 4, WITH OR WITHOUT ECTODERMAL DYSPLASIA. Identifiers: Orphanet 99798, MedGen C1835492, MONDO:0007881, OMIM 150400. Disease mechanism: loss of function.

Allele frequency attached by ClinVar (database versions not stated): TOPMed below 0.00001; gnomAD 0.00001.
gnomAD v4.1: 11 of 1,480,152 alleles (0.00074%); highest among the groups gnomAD compares: Non-Finnish European, 0.00089%; no homozygotes.

Submission:

Labcorp Genetics (formerly Invitae), Labcorp
Classification: Uncertain significance for Tooth agenesis, selective, 4; Odonto-onycho-dermal dysplasia. Last evaluated: 2023-08-27. Review status: criteria provided, single submitter. Criteria: Invitae Variant Classification Sherloc (09022015). Collection method: clinical testing. Allele origin: germline.
Comment: This sequence change replaces glycine, which is neutral and non-polar, with arginine, which is basic and polar, at codon 307 of the WNT10A protein (p.Gly307Arg). This variant is not present in population databases (gnomAD no frequency). This variant has not been reported in the literature in individuals affected with WNT10A-related conditions. Advanced modeling of protein sequence and biophysical properties (such as structural, functional, and spatial information, amino acid conservation, physicochemical variation, residue mobility, and thermodynamic stability) performed at Invitae indicates that this missense variant is not expected to disrupt WNT10A protein function. In summary, the available evidence is currently insufficient to determine the role of this variant in disease. Therefore, it has been classified as a Variant of Uncertain Significance.